The following is an entry in ClinVar:

NM_022455.5(NSD1):c.5726_5727del (p.Asp1908_Ser1909insTer)

Gene: NSD1 (nuclear receptor binding SET domain protein 1; plus strand). Cytogenetic location: 5q35.3.
Variant type: Microsatellite.
Coding change: c.5726_5727del on transcript NM_022455.5 (MANE Select); coding-DNA positions 5726 to 5727, 2 bases deleted (CT; older notation c.5726_5727delCT).
Protein change: p.Asp1908_Ser1909insTer.
Molecular consequence: nonsense. On other transcripts: frameshift variant (11).
Genome position (GRCh38, 1-based): chr5:177,280,668-177,280,669, CT deleted; deleting any 2 consecutive bases within chr5:177,280,666-177,280,669 gives the same sequence; the c. name uses the placement nearest the transcript's 3' end. VCF-style (leftmost placement, unchanged base first): chr5-177280665-ACT-A. GRCh37 (hg19) VCF-style: chr5-176707666-ACT-A.
Other names: c.4851_4852CT[1], p.Ser1618Terfs (NM_001365684.2, NM_001409308.1, NM_001409309.1 and 1 more transcripts); c.5724_5725CT[1], p.Ser1909Terfs (NM_001409301.1, NM_001409302.1, NM_001409303.1); c.5304_5305CT[1], p.Ser1769Terfs (NM_001409304.1); c.4971_4972CT[1], p.Ser1658Terfs (NM_001409305.1); c.4962_4963CT[1], p.Ser1655Terfs (NM_001409306.1, NM_001409307.1).
Identifiers: ClinVar variation 1333585 (VCV001333585.2), dbSNP rs2127257129, ClinGen allele CA2580614821.

ClinVar aggregate classification (germline): Likely pathogenic (1 of 4 stars; one submission).

Conditions:
Sotos syndrome (SOTOS). Also called: CHROMOSOME 5q35 DELETION SYNDROME; SOTOS SYNDROME 1; Distinctive facial appearance, overgrowth in childhood, and learning disabilities or delayed development; CEREBRAL GIGANTISM; Sotos' syndrome. Identifiers: Orphanet 821, MedGen C0175695, MONDO:0019349, OMIM 117550.

Submission:

3billion
Classification: Likely pathogenic for Sotos syndrome. Last evaluated: 2022-01-03. Review status: criteria provided, single submitter. Criteria: ACMG Guidelines, 2015. Collection method: clinical testing. Allele origin: germline. Affected: yes. Observed: 1 variant allele, 1 heterozygote.
Comment: Frameshift: predicted to result in a loss or disruption of normal protein function through nonsense-mediated decay (NMD) or protein truncation. Multiple pathogenic variants are reported downstream of the variant (PVS1_VS). It is not observed in the gnomAD v2.1.1 dataset (PM2_M). Therefore, this variant is classified as likely pathogenic according to the recommendation of ACMG/AMP guideline.